The following is an entry in ClinVar:

ClinVar aggregate classification (germline): Uncertain significance. Review status: criteria provided, multiple submitters, no conflicts (2 of 4 stars). 2 submissions from 2 submitters: Uncertain significance (2). Last evaluated 2023-11-09.

Allele frequency attached by ClinVar (database versions not stated): gnomAD 0.00001; TOPMed 0.00003; gnomAD exomes 0.00006; ESP Exome Variant Server 0.00015.

Submissions (2):

Mayo Clinic Laboratories, Mayo Clinic
Classification: Uncertain significance. Last evaluated: 2023-11-09. Review status: criteria provided, single submitter. Criteria: ACMG Guidelines, 2015. Collection method: clinical testing. Allele origin: germline. Observed: 1 variant allele.
Comment: PP3

Labcorp Genetics (formerly Invitae), Labcorp
Classification: Uncertain significance. Last evaluated: 2022-07-04. Review status: criteria provided, single submitter. Criteria: Invitae Variant Classification Sherloc (09022015). Collection method: clinical testing. Allele origin: germline.
Comment: In summary, the available evidence is currently insufficient to determine the role of this variant in disease. Therefore, it has been classified as a Variant of Uncertain Significance. Algorithms developed to predict the effect of missense changes on protein structure and function are either unavailable or do not agree on the potential impact of this missense change (SIFT: "Deleterious"; PolyPhen-2: "Probably Damaging"; Align-GVGD: "Class C0"). This variant has not been reported in the literature in individuals affected with AEBP1-related conditions. This variant is present in population databases (rs141206792, gnomAD 0.006%). This sequence change replaces arginine, which is basic and polar, with cysteine, which is neutral and slightly polar, at codon 534 of the AEBP1 protein (p.Arg534Cys).

NM_001129.5(AEBP1):c.1600C>T (p.Arg534Cys)

Gene: AEBP1 (AE binding protein 1; plus strand). Cytogenetic location: 7p13.
Variant type: single nucleotide variant.
Coding change: c.1600C>T on transcript NM_001129.5 (MANE Select); coding-DNA position 1600, C replaced by T.
Protein change: p.Arg534Cys; replaces arginine 534 with cysteine.
Molecular consequence: missense variant.
Genome position (GRCh38, 1-based): chr7:44,111,027, C>T. VCF-style: chr7-44111027-C-T. GRCh37 (hg19) VCF-style: chr7-44150626-C-T.
Other names: p.Arg534Cys; short protein forms R534C.
Identifiers: ClinVar variation 1981187 (VCV001981187.4), dbSNP rs141206792, ClinGen allele CA157881090.